The following is an entry in ClinVar:

ClinVar aggregate classification (germline): Uncertain significance (1 of 4 stars; one submission).

Allele frequency attached by ClinVar (database versions not stated): gnomAD exomes below 0.00001; ExAC 0.00001.
gnomAD v4.1: 5 of 1,583,628 alleles (0.00032%); highest among the groups gnomAD compares: Middle Eastern, 0.017%; no homozygotes.

Submission:

Labcorp Genetics (formerly Invitae), Labcorp
Classification: Uncertain significance. Last evaluated: 2022-08-16. Review status: criteria provided, single submitter. Criteria: Invitae Variant Classification Sherloc (09022015). Collection method: clinical testing. Allele origin: germline.
Comment: In summary, the available evidence is currently insufficient to determine the role of this variant in disease. Therefore, it has been classified as a Variant of Uncertain Significance. Experimental studies and prediction algorithms are not available or were not evaluated, and the functional significance of this variant is currently unknown. ClinVar contains an entry for this variant (Variation ID: 1464823). This variant has not been reported in the literature in individuals affected with HTT-related conditions. This variant is present in population databases (rs779746400, gnomAD 0.0009%). This sequence change replaces histidine, which is basic and polar, with tyrosine, which is neutral and polar, at codon 630 of the HTT protein (p.His630Tyr).

NM_001388492.1(HTT):c.1882C>T (p.His628Tyr)

Gene: HTT (huntingtin; plus strand). Cytogenetic location: 4p16.3.
Variant type: single nucleotide variant.
Coding change: c.1882C>T on transcript NM_001388492.1 (MANE Select); coding-DNA position 1882, C replaced by T.
Protein change: p.His628Tyr; replaces histidine 628 with tyrosine.
Molecular consequence: missense variant.
Genome position (GRCh38, 1-based): chr4:3,130,319, C>T. VCF-style: chr4-3130319-C-T. GRCh37 (hg19) VCF-style: chr4-3132046-C-T.
Other names: c.1888C>T, p.His630Tyr (NM_002111.8); short protein forms H628Y, H630Y.
Identifiers: ClinVar variation 1464823 (VCV001464823.6), dbSNP rs779746400, ClinGen allele CA2823670.